The following is an entry in ClinVar:

ClinVar aggregate classification (germline): Uncertain significance (1 of 4 stars; one submission).

Allele frequency attached by ClinVar (database versions not stated): gnomAD exomes below 0.00001.
gnomAD v4.1: 4 of 1,524,628 alleles (0.00026%); highest among the groups gnomAD compares: Non-Finnish European, 0.00026%; no homozygotes.

Submission:

GeneDx
Classification: Uncertain significance. Last evaluated: 2023-04-13. Review status: criteria provided, single submitter. Criteria: GeneDx Variant Classification Process June 2021. Collection method: clinical testing. Allele origin: germline. Affected: yes.
Comment: Not observed at significant frequency in large population cohorts (gnomAD); In silico analysis supports that this missense variant does not alter protein structure/function; Has not been previously published as pathogenic or benign to our knowledge

NM_002430.3(MN1):c.2255G>T (p.Gly752Val)

Gene: MN1 (MN1 proto-oncogene, transcriptional regulator; minus strand). Cytogenetic location: 22q12.1.
Variant type: single nucleotide variant.
Coding change: c.2255G>T on transcript NM_002430.3 (MANE Select); coding-DNA position 2255, G replaced by T.
Protein change: p.Gly752Val; replaces glycine 752 with valine.
Molecular consequence: missense variant.
Genome position (GRCh38, 1-based): chr22:27,798,289, C>A on the plus strand (G>T on the coding strand, the complement: MN1 is on the minus strand). VCF-style: chr22-27798289-C-A. GRCh37 (hg19) VCF-style: chr22-28194277-C-A.
Other names: short protein forms G752V.
Identifiers: ClinVar variation 2662851 (VCV002662851.1), dbSNP rs1407090323, ClinGen allele CA411046057.